The following is an entry in ClinVar:

NM_004113.6(FGF12):c.148G>A (p.Gly50Ser)

Gene: FGF12 (fibroblast growth factor 12; minus strand). Cytogenetic location: 3q28.
Variant type: single nucleotide variant.
Coding change: c.148G>A on transcript NM_004113.6 (MANE Select); coding-DNA position 148, G replaced by A.
Protein change: p.Gly50Ser; replaces glycine 50 with serine.
Molecular consequence: missense variant.
Genome position (GRCh38, 1-based): chr3:192,335,441, C>T on the plus strand (G>A on the coding strand, the complement: FGF12 is on the minus strand). VCF-style: chr3-192335441-C-T. GRCh37 (hg19) VCF-style: chr3-192053230-C-T.
Other names: c.37G>A, p.Gly13Ser (NM_001377292.1); c.76G>A, p.Gly26Ser (NM_001377293.1, NM_001377294.1); c.334G>A, p.Gly112Ser (NM_021032.5); short protein forms G112S, G50S, G13S, G26S.
Identifiers: ClinVar variation 522854 (VCV000522854.35), dbSNP rs1553798675, ClinGen allele CA355866471.

ClinVar aggregate classification (germline): Pathogenic/Likely pathogenic. Review status: criteria provided, multiple submitters, no conflicts (2 of 4 stars). 12 submissions from 11 submitters: Pathogenic (6); Likely pathogenic (5). 1 of the submissions does not count toward it. Last evaluated 2025-12-18.

Conditions:
Developmental and epileptic encephalopathy, 47 (DEE47). Also called: Epileptic encephalopathy, early infantile, 47. Identifiers: MedGen C4310685, MONDO:0014949, OMIM 617166.
Epilepsy. Also called: Seizure disorder. Identifiers: MedGen C0014544, MeSH D004827, MONDO:0005027.
FGF12-related disorders.
FGF12-related disorder. Also called: FGF12-related condition.

Submissions (12):

Cytogénomique, Hospices Civils de Lyon
Classification: Pathogenic for Epilepsy. Last evaluated: 2025-12-18. Review status: criteria provided, single submitter. Criteria: ACMG Guidelines, 2015. Collection method: clinical testing. Allele origin: germline. Affected: yes.

Revvity Omics, Revvity
Classification: Pathogenic for Developmental and epileptic encephalopathy, 47. Last evaluated: 2025-06-05. Review status: criteria provided, single submitter. Criteria: ACMG Guidelines, 2015. Collection method: clinical testing. Allele origin: germline.

Labcorp Genetics (formerly Invitae), Labcorp
Classification: Pathogenic. Last evaluated: 2025-04-14. Review status: criteria provided, single submitter. Criteria: Invitae Variant Classification Sherloc (09022015). Collection method: clinical testing. Allele origin: germline.
Comment: This sequence change replaces glycine, which is neutral and non-polar, with serine, which is neutral and polar, at codon 112 of the FGF12 protein (p.Gly112Ser). This variant is not present in population databases (gnomAD no frequency). This missense change has been observed in individual(s) with FGF12-related conditions (PMID: 31292943, 32645220; internal data). In at least one individual the variant was observed to be de novo. ClinVar contains an entry for this variant (Variation ID: 522854). Invitae Evidence Modeling of protein sequence and biophysical properties (such as structural, functional, and spatial information, amino acid conservation, physicochemical variation, residue mobility, and thermodynamic stability) indicates that this missense variant is not expected to disrupt FGF12 protein function with a negative predictive value of 80%. For these reasons, this variant has been classified as Pathogenic.

CeGaT Center for Human Genetics Tuebingen
Classification: Likely pathogenic. Last evaluated: 2024-11-01. Review status: criteria provided, single submitter. Criteria: CeGaT Center For Human Genetics Tuebingen Variant Classification Criteria Version 2. Collection method: clinical testing. Allele origin: germline. Affected: yes. Observed: 1 variant allele.
Comment: FGF12: PS2, PM2, PS4:Moderate, PS3:Supporting

Blueprint Genetics
Classification: Pathogenic for FGF12-related disorders. Last evaluated: 2024-09-10. Review status: criteria provided, single submitter. Criteria: ACMG Guidelines, 2015. Collection method: clinical testing. Allele origin: germline. Affected: yes. Observed: 2 variant alleles.

Baylor Genetics
Classification: Pathogenic for Developmental and epileptic encephalopathy, 47. Last evaluated: 2024-02-03. Review status: criteria provided, single submitter. Criteria: ACMG Guidelines, 2015. Collection method: clinical testing. Allele origin: unknown.

GeneDx
Classification: Pathogenic. Last evaluated: 2023-07-18. Review status: criteria provided, single submitter. Criteria: GeneDx Variant Classification Process June 2021. Collection method: clinical testing. Allele origin: germline.
Comment: Not observed at significant frequency in large population cohorts (gnomAD); In silico analysis supports that this missense variant has a deleterious effect on protein structure/function; This variant is associated with the following publications: (PMID: 31292943, 34020858, 33057194, 35982159, 27872899, 36029553, Seiffert2021[article], 37331110, 32645220)

Kasturba Medical College, Manipal, Kasturba Medical College, Manipal, Manipal Academy of Higher Education, Manipal, India
Classification: Likely pathogenic for Developmental and epileptic encephalopathy, 47. Last evaluated: 2020-12-09. Review status: criteria provided, single submitter. Criteria: ACMG Guidelines, 2015. Collection method: clinical testing. Allele origin: de novo. Inheritance: Autosomal dominant inheritance. Affected: yes. Observed: 1 variant allele.

Cytogénomique, Hospices Civils de Lyon
Classification: Likely pathogenic for Developmental and epileptic encephalopathy, 47. Last evaluated: 2018-11-29. Review status: criteria provided, single submitter. Criteria: ACMG Guidelines, 2015. Collection method: clinical testing. Allele origin: de novo. Inheritance: Autosomal dominant inheritance. Affected: yes.

Undiagnosed Diseases Network, NIH
Classification: Likely pathogenic for Developmental and epileptic encephalopathy, 47. Last evaluated: 2017-03-26. Review status: criteria provided, single submitter. Criteria: ACMG Guidelines, 2015. Collection method: clinical testing. Allele origin: de novo. Inheritance: Autosomal dominant inheritance. Affected: yes. Observed: 1 variant allele, 1 heterozygote. Study: Undiagnosed Diseases Network (NIH), UDN.

Neuberg Centre For Genomic Medicine, NCGM
Classification: Likely pathogenic for Developmental and epileptic encephalopathy, 47. Review status: criteria provided, single submitter. Criteria: ACMG Guidelines, 2015. Collection method: clinical testing. Allele origin: germline. Inheritance: Autosomal dominant inheritance. Affected: yes.
Comment: The FGF12 c.334G>A variant has been reported in heterozygous state in individuals affected with Developmental and epileptic encephalopathy 47 (Trivisano M et. al., 2020; Tian Q et al., 2021). The p.Gly112Ser variant is novel (not in any individuals) in gnomAD Exomes and 1000 Genomes. This variant has been reported to the ClinVar database as Likely Pathogenic. The amino acid Gly at position 112 is changed to a Ser changing protein sequence and it might alter its composition and physico-chemical properties. The variant is predicted to be damaging by both SIFT and PolyPhen2. The amino acid change p.Gly112Ser in FGF12 is predicted as conserved by GERP++ and PhyloP across 100 vertebrates. For these reasons, this variant has been classified as Likely Pathogenic.

PreventionGenetics, part of Exact Sciences
Classification: Pathogenic for FGF12-related condition. Last evaluated: 2023-10-26. Review status: no assertion criteria provided. Collection method: clinical testing. Allele origin: germline. Not counted in ClinVar's aggregate classification.
Comment: The FGF12 c.334G>A variant is predicted to result in the amino acid substitution p.Gly112Ser. FGF12 is also referred to as FHF1 in the literature. This variant has been reported in three individuals with developmental and epileptic encephalopathy; in two subjects the variant was de novo and in one it was inherited (Paprocka et al. 2019. PubMed ID: 31292943; Trivisano et al. 2020. PubMed ID: 32645220; Seiffert et al. 2022. PubMed ID: 36029553). This variant has not been reported in a large population database, indicating it is rare. In vitro analysis suggested that p.Gly112Ser modified the biophysical kinetics of ion channel activity (Seiffert et al. 2022. PubMed ID: 36029553). This variant is interpreted as pathogenic.

Literature cited by the submitters: PubMed 31292943 (cited by Labcorp Genetics (formerly Invitae), Labcorp); PubMed 32645220 (cited by Labcorp Genetics (formerly Invitae), Labcorp); PubMed 27872899 (cited by Undiagnosed Diseases Network, NIH).